The following is an entry in ClinVar:

ClinVar aggregate classification (germline): Pathogenic (1 of 4 stars; one submission).

Conditions:
Hereditary cancer-predisposing syndrome. Also called: Neoplastic Syndromes, Hereditary; Tumor predisposition; Hereditary Cancer Syndrome; Hereditary neoplastic syndrome. Identifiers: Orphanet 140162, MedGen C0027672, MeSH D009386, MONDO:0015356.

Submission:

Color Diagnostics, LLC DBA Color Health
Classification: Pathogenic for Hereditary cancer-predisposing syndrome. Last evaluated: 2020-01-24. Review status: criteria provided, single submitter. Criteria: ACMG Guidelines, 2015. Collection method: clinical testing. Allele origin: germline.
Comment: This variant deletes 14 nucleotides in exon 11 of the BRCA2 gene, creating a frameshift and premature translation stop signal. This variant is expected to result in an absent or non-functional protein product. To our knowledge, this variant has not been reported in individuals affected with hereditary cancer in the literature. This variant has not been identified in the general population by the Genome Aggregation Database (gnomAD). Loss of BRCA2 function is a known mechanism of disease. Based on the available evidence, this variant is classified as Pathogenic.

NM_000059.4(BRCA2):c.4711_4724del (p.Glu1571fs)

Gene: BRCA2 (BRCA2 DNA repair associated; plus strand). Cytogenetic location: 13q13.1.
Variant type: Deletion.
Coding change: c.4711_4724del on transcript NM_000059.4 (MANE Select); coding-DNA positions 4711 to 4724, 14 bases deleted (GAGGCCTGTAAAGA).
Protein change: p.Glu1571fs; shifts the reading frame from glutamic acid 1571.
Molecular consequence: frameshift variant.
Genome position (GRCh38, 1-based): chr13:32,339,066-32,339,079, GAGGCCTGTAAAGA deleted; deleting any 14 consecutive bases within chr13:32,339,063-32,339,079 gives the same sequence; the c. name uses the placement nearest the transcript's 3' end. VCF-style (leftmost placement, unchanged base first): chr13-32339062-CAGAGAGGCCTGTAA-C. GRCh37 (hg19) VCF-style: chr13-32913199-CAGAGAGGCCTGTAA-C.
Other names: short protein forms E1571fs.
Identifiers: ClinVar variation 923611 (VCV000923611.3), dbSNP rs2072511235, ClinGen allele CA1139663213.